The following is an entry in ClinVar:

NM_006440.5(TXNRD2):c.446A>G (p.Asp149Gly)

Gene: TXNRD2 (thioredoxin reductase 2; minus strand). Cytogenetic location: 22q11.21.
Variant type: single nucleotide variant.
Coding change: c.446A>G on transcript NM_006440.5 (MANE Select); coding-DNA position 446, A replaced by G.
Protein change: p.Asp149Gly; replaces aspartic acid 149 with glycine.
Molecular consequence: missense variant. On other transcripts: non-coding transcript variant (1).
Genome position (GRCh38, 1-based): chr22:19,918,146, T>C on the plus strand (A>G on the coding strand, the complement: TXNRD2 is on the minus strand). VCF-style: chr22-19918146-T-C. GRCh37 (hg19) VCF-style: chr22-19905669-T-C.
Other names: c.446A>G, p.Asp149Gly (NM_001282512.3); c.443A>G, p.Asp148Gly (NM_001352300.2); c.356A>G, p.Asp119Gly (NM_001352301.2); c.158A>G, p.Asp53Gly (NM_001352302.2); c.350A>G, p.Asp117Gly (NM_001352303.2); short protein forms D117G, D53G, D148G, D119G, D149G.
Identifiers: ClinVar variation 3812623 (VCV003812623.1).
Genomic context (GRCh38, chr22:19,918,146, plus strand): 5'-CAGAACGCCCAAGAGAAGGCCCAGAGGGCGGCCCATTCCCGGAGAGAGCTTCAGTACCTG[T>C]CCTGAAGCTGGACACGGTGGCCCCAGTTCAAGGATTTCACGTGATTTTGAACAGCTTCTG-3'
Protein context (NP_006431.2, residues 139-159): LNWGHRVQLQ[Asp149Gly]RKVKYFNIKA

ClinVar aggregate classification (germline): Uncertain significance (1 of 4 stars; one submission).

Conditions:
Cardiovascular phenotype. Identifiers: MedGen CN230736.

Submission:

Ambry Genetics
Classification: Uncertain significance for Cardiovascular phenotype. Last evaluated: 2025-02-20. Review status: criteria provided, single submitter. Criteria: Ambry Variant Classification Scheme 2023. Collection method: clinical testing. Allele origin: germline.
Comment: The p.D149G variant (also known as c.446A>G), located in coding exon 5 of the TXNRD2 gene, results from an A to G substitution at nucleotide position 446. The aspartic acid at codon 149 is replaced by glycine, an amino acid with similar properties. This amino acid position is well conserved in available vertebrate species. In addition, this alteration is predicted to be tolerated by in silico analysis. Based on the available evidence, the clinical significance of this variant remains unclear.